The following is an entry in ClinVar:

ClinVar aggregate classification (germline): Benign. Review status: criteria provided, single submitter (1 of 4 stars). 2 submissions from 2 submitters: Benign (1). 1 of the submissions does not count toward it. Last evaluated 2019-12-31.

Conditions:
DMBT1-related disorder. Also called: DMBT1-related condition.

Allele frequency attached by ClinVar (database versions not stated): gnomAD exomes 0.00032 and 0.00077; ExAC 0.00105; 1000 Genomes Project 30x 0.00250; 1000 Genomes Project 0.00280; gnomAD 0.00322; TOPMed 0.00338; ESP Exome Variant Server 0.00343.
gnomAD v4.1: 956 of 1,613,964 alleles (0.059%); highest among the groups gnomAD compares: African/African-American, 1%; 4 homozygotes.

Submissions (2):

Labcorp Genetics (formerly Invitae), Labcorp
Classification: Benign. Last evaluated: 2019-12-31. Review status: criteria provided, single submitter. Criteria: Invitae Variant Classification Sherloc (09022015). Collection method: clinical testing. Allele origin: germline.

PreventionGenetics, part of Exact Sciences
Classification: Benign for DMBT1-related condition. Last evaluated: 2019-04-01. Review status: no assertion criteria provided. Collection method: clinical testing. Allele origin: germline. Not counted in ClinVar's aggregate classification.
Comment: This variant is classified as benign based on ACMG/AMP sequence variant interpretation guidelines (Richards et al. 2015 PMID: 25741868, with internal and published modifications).

NM_001377530.1(DMBT1):c.5281G>A (p.Val1761Ile)

Gene: DMBT1 (deleted in malignant brain tumors 1; plus strand). Cytogenetic location: 10q26.13.
Variant type: single nucleotide variant.
Coding change: c.5281G>A on transcript NM_001377530.1 (MANE Select); coding-DNA position 5281, G replaced by A.
Protein change: p.Val1761Ile; replaces valine 1761 with isoleucine.
Molecular consequence: missense variant.
Genome position (GRCh38, 1-based): chr10:122,620,288, G>A. VCF-style: chr10-122620288-G-A. GRCh37 (hg19) VCF-style: chr10-124379804-G-A.
Other names: c.4894G>A, p.Val1632Ile (NM_001320644.2, NM_007329.3); c.3010G>A, p.Val1004Ile (NM_004406.3); c.4864G>A, p.Val1622Ile (NM_017579.3); short protein forms V1622I, V1632I, V1004I, V1761I.
Identifiers: ClinVar variation 730868 (VCV000730868.6), dbSNP rs192235573, ClinGen allele CA5727846.